The following is an entry in ClinVar:

ClinVar aggregate classification (germline): Likely benign. Review status: criteria provided, multiple submitters, no conflicts (2 of 4 stars). 3 submissions from 3 submitters: Likely benign (2). 1 of the submissions does not count toward it. Last evaluated 2025-02-16.

Conditions:
VPS13B-related disorder. Also called: VPS13B-related condition.
Cohen syndrome (COH1). Also called: Cutis verticis gyrata, retinitis pigmentosa, and sensorineural deafness; PEPPER SYNDROME. Identifiers: Orphanet 193, MedGen C0265223, MONDO:0008999, OMIM 216550.

Allele frequency attached by ClinVar (database versions not stated): TOPMed below 0.00001; gnomAD 0.00001.
gnomAD v4.1: 1 of 1,613,454 alleles (0.000062%); highest among the groups gnomAD compares: Non-Finnish European, 0.000085%; no homozygotes.

Submissions (3):

Laboratory of Genetics, Children's Clinical University Hospital Latvia
Classification: Likely benign. Last evaluated: 2025-02-16. Review status: criteria provided, single submitter. Criteria: ACMG Guidelines, 2015. Collection method: clinical testing. Allele origin: germline. Affected: yes.

Labcorp Genetics (formerly Invitae), Labcorp
Classification: Likely benign for Cohen syndrome. Last evaluated: 2023-05-02. Review status: criteria provided, single submitter. Criteria: Invitae Variant Classification Sherloc (09022015). Collection method: clinical testing. Allele origin: germline.

PreventionGenetics, part of Exact Sciences
Classification: Likely benign for VPS13B-related condition. Last evaluated: 2024-04-06. Review status: no assertion criteria provided. Collection method: clinical testing. Allele origin: germline. Not counted in ClinVar's aggregate classification.
Comment: This variant is classified as likely benign based on ACMG/AMP sequence variant interpretation guidelines (Richards et al. 2015 PMID: 25741868, with internal and published modifications).

NM_152564.5(VPS13B):c.1623G>C (p.Leu541=)

Gene: VPS13B (vacuolar protein sorting 13 homolog B; plus strand). Cytogenetic location: 8q22.2.
Variant type: single nucleotide variant.
Coding change: c.1623G>C on transcript NM_152564.5 (MANE Select); coding-DNA position 1623, G replaced by C.
Protein change: p.Leu541=; no amino-acid change (leucine 541 retained).
Molecular consequence: synonymous variant.
Genome position (GRCh38, 1-based): chr8:99,136,724, G>C. VCF-style: chr8-99136724-G-C. GRCh37 (hg19) VCF-style: chr8-100148952-G-C.
Other names: c.1623G>C (NM_152564.4); c.1623G>C, p.Leu541= (NM_015243.3, NM_017890.5).
Identifiers: ClinVar variation 1614544 (VCV001614544.10), dbSNP rs1193051483, ClinGen allele CA462421846.